The following is an entry in ClinVar:

NM_020987.5(ANK3):c.6865G>A (p.Glu2289Lys)

Genes: ANK3 (ankyrin 3; minus strand), LOC130003862 (ATAC-STARR-seq lymphoblastoid active region 3393; plus strand). Cytogenetic location: 10q21.2.
Variant type: single nucleotide variant.
Coding change: c.6865G>A on transcript NM_020987.5 (MANE Select); coding-DNA position 6865, G replaced by A.
Protein change: p.Glu2289Lys; replaces glutamic acid 2289 with lysine.
Molecular consequence: missense variant. On other transcripts: intron variant (4).
Genome position (GRCh38, 1-based): chr10:60,074,016, C>T on the plus strand (G>A on the coding strand, the complement: ANK3 is on the minus strand). VCF-style: chr10-60074016-C-T. GRCh37 (hg19) VCF-style: chr10-61833774-C-T.
Other names: c.4388-6007G>A (NM_001204403.2); c.4409-6007G>A (NM_001204404.2); c.4406-6007G>A (NM_001320874.2); c.1808-6007G>A (NM_001149.4); short protein forms E2289K.
Identifiers: ClinVar variation 4057118 (VCV004057118.1).

ClinVar aggregate classification (germline): Uncertain significance (1 of 4 stars; one submission).

gnomAD v4.1: 1 of 1,613,970 alleles (0.000062%); highest among the groups gnomAD compares: South Asian, 0.0011%; no homozygotes.

Submission:

GeneDx
Classification: Uncertain significance. Last evaluated: 2025-01-08. Review status: criteria provided, single submitter. Criteria: GeneDx Variant Classification Process June 2021. Collection method: clinical testing. Allele origin: germline. Affected: yes.
Comment: Not observed at significant frequency in large population cohorts (gnomAD); In silico analysis indicates that this missense variant does not alter protein structure/function; Has not been previously published as pathogenic or benign to our knowledge